The following is an entry in ClinVar:

ClinVar aggregate classification (germline): Uncertain significance (1 of 4 stars; one submission).

Submission:

GeneDx
Classification: Uncertain significance. Last evaluated: 2023-07-26. Review status: criteria provided, single submitter. Criteria: GeneDx Variant Classification Process June 2021. Collection method: clinical testing. Allele origin: germline. Affected: yes.
Comment: Frameshift variant predicted to result in protein truncation or nonsense mediated decay in a gene or region of a gene for which loss of function is not a well-established mechanism of disease; Not observed at significant frequency in large population cohorts (gnomAD); Reported using an alternate transcript of the gene; Has not been previously published as pathogenic or benign to our knowledge

NM_080425.4(GNAS):c.780_786del (p.Ser261fs)

Gene: GNAS (GNAS complex locus; plus strand). Cytogenetic location: 20q13.32.
Variant type: Deletion.
Coding change: c.780_786del on transcript NM_080425.4 (MANE Plus Clinical); coding-DNA positions 780 to 786, 7 bases deleted (CTCGAGT; older notation c.780_786delCTCGAGT).
Protein change: p.Ser261fs; shifts the reading frame from serine 261.
Molecular consequence: frameshift variant. On other transcripts: intron variant (3).
Genome position (GRCh38, 1-based): chr20:58,854,045-58,854,051, CTCGAGT deleted. VCF-style (leftmost placement, unchanged base first): chr20-58854044-CCTCGAGT-C. GRCh37 (hg19) VCF-style: chr20-57429099-CCTCGAGT-C.
Other names: c.-39+12170_-39+12176del (NM_001309861.2); c.593_599del, p.Pro198fs (NM_001077490.3, NM_001309883.1); c.780_786del, p.Ser261fs (NM_001410913.1); c.*42+13159_*42+13165del (NM_016592.5); c.43+13159_43+13165del (NM_001410912.1); short protein forms P198fs, S261fs.
Identifiers: ClinVar variation 2446527 (VCV002446527.2), dbSNP rs2516373437, ClinGen allele CA2580098300.
Genomic context (GRCh38, chr20:58,854,044, plus strand): 5'-CGGGGCTTTCCCGAGTTATCGCACAAGTCGACGGCAGCAGCCAGTTCGCGGCAGTCGCGG[CCTCGAGT>C]GCGGTCCGCCTCACTCCCGCCGCGAACGCGCCTCCCCTCTGGGTCCCAGGCGCCATCGGC-3'